The following is an entry in ClinVar:

NM_006118.4(HAX1):c.509A>C (p.Asp170Ala)

Gene: HAX1 (HCLS1 associated protein X-1; plus strand). Cytogenetic location: 1q21.3.
Variant type: single nucleotide variant.
Coding change: c.509A>C on transcript NM_006118.4 (MANE Select); coding-DNA position 509, A replaced by C.
Protein change: p.Asp170Ala; replaces aspartic acid 170 with alanine.
Molecular consequence: missense variant.
Genome position (GRCh38, 1-based): chr1:154,274,954, A>C. VCF-style: chr1-154274954-A-C. GRCh37 (hg19) VCF-style: chr1-154247430-A-C.
Other names: c.365A>C, p.Asp122Ala (NM_001018837.2); short protein forms D170A, D122A.
Identifiers: ClinVar variation 4033828 (VCV004033828.1).
Genomic context (GRCh38, chr1:154,274,954, plus strand): 5'-CCTTTCAAATTTCAGATTGGAAGGAGTCTTTTCACTTACTATGGTTTCTTCTGCAGTTTG[A>C]TGATGTATGGCCTATGGACCCCCATCCTAGAACCAGAGAGGACAATGGTAAGTCTGGAGG-3'
Protein context (NP_006109.2, residues 160-180): WGSQRPFHRF[Asp170Ala]DVWPMDPHPR

ClinVar aggregate classification (germline): Uncertain significance (1 of 4 stars; one submission).

Conditions:
Inborn genetic diseases. Identifiers: MedGen C0950123, MeSH D030342.

gnomAD v4.1: 2 of 1,609,904 alleles (0.00012%); highest among the groups gnomAD compares: Non-Finnish European, 0.00017%; no homozygotes.

Submission:

Ambry Genetics
Classification: Uncertain significance for Inborn genetic diseases. Last evaluated: 2025-03-20. Review status: criteria provided, single submitter. Criteria: Ambry Variant Classification Scheme 2023. Collection method: clinical testing. Allele origin: germline.
Comment: The p.D170A variant (also known as c.509A>C), located in coding exon 4 of the HAX1 gene, results from an A to C substitution at nucleotide position 509. The aspartic acid at codon 170 is replaced by alanine, an amino acid with dissimilar properties. This amino acid position is conserved. In addition, this alteration is predicted to be tolerated by in silico analysis. Based on the available evidence, the clinical significance of this variant remains unclear.